The following is an entry in ClinVar:

NM_000455.5(STK11):c.678C>T (p.Asn226=)

Gene: STK11 (serine/threonine kinase 11; plus strand). Cytogenetic location: 19p13.3.
Variant type: single nucleotide variant.
Coding change: c.678C>T on transcript NM_000455.5 (MANE Select); coding-DNA position 678, C replaced by T.
Protein change: p.Asn226=; no amino-acid change (asparagine 226 retained).
Molecular consequence: synonymous variant.
Genome position (GRCh38, 1-based): chr19:1,220,661, C>T. VCF-style: chr19-1220661-C-T. GRCh37 (hg19) VCF-style: chr19-1220660-C-T.
Identifiers: ClinVar variation 184220 (VCV000184220.31), dbSNP rs748832988, ClinGen allele CA023217.
Genomic context (GRCh38, chr19:1,220,661, plus strand): 5'-GGACGACACCTGCCGGACCAGCCAGGGCTCCCCGGCTTTCCAGCCGCCCGAGATTGCCAA[C>T]GGCCTGGACACCTTCTCCGGCTTCAAGGTGGACATCTGGTCGGCTGGGGTCACCCTGTAA-3'
Protein context (NP_000446.1, residues 216-236): SPAFQPPEIA[Asn226=]GLDTFSGFKV

ClinVar aggregate classification (germline): Benign/Likely benign. Review status: criteria provided, multiple submitters, no conflicts (2 of 4 stars). 11 submissions from 11 submitters: Benign (2); Likely benign (7). 2 of the submissions do not count toward it. Last evaluated 2026-01-27.

Conditions:
Bile duct cancer. Identifiers: MedGen CN296287, MONDO:0003059.
Hereditary cancer-predisposing syndrome. Also called: Tumor predisposition; Neoplastic Syndromes, Hereditary; Hereditary neoplastic syndrome; Hereditary Cancer Syndrome. Identifiers: Orphanet 140162, MedGen C0027672, MeSH D009386, MONDO:0015356.
Peutz-Jeghers syndrome (PJS). Also called: Peutz-Jeghers polyposis; Periorificial lentiginosis syndrome; POLYPOSIS, HAMARTOMATOUS INTESTINAL; POLYPS-AND-SPOTS SYNDROME. Identifiers: Orphanet 2869, MedGen C0031269, MeSH D010580, MONDO:0008280, OMIM 175200.

Allele frequency attached by ClinVar (database versions not stated): gnomAD exomes 0.00002 and 0.00003; TOPMed 0.00003; ExAC 0.00005; gnomAD 0.00005; 1000 Genomes Project 30x 0.00031.

Submissions (11):

Labcorp Genetics (formerly Invitae), Labcorp
Classification: Likely benign for Peutz-Jeghers syndrome. Last evaluated: 2026-01-27. Review status: criteria provided, single submitter. Criteria: Invitae Variant Classification Sherloc (09022015). Collection method: clinical testing. Allele origin: germline.

Center for Genomic Medicine, Rigshospitalet, Copenhagen University Hospital
Classification: Likely benign. Last evaluated: 2025-03-04. Review status: criteria provided, single submitter. Criteria: ACMG Guidelines, 2015. Collection method: clinical testing. Allele origin: germline.

Laboratory of Genetics, Children's Clinical University Hospital Latvia
Classification: Benign. Last evaluated: 2025-02-16. Review status: criteria provided, single submitter. Criteria: ACMG Guidelines, 2015. Collection method: clinical testing. Allele origin: germline. Affected: yes.

Blueprint Genetics
Classification: Likely benign. Last evaluated: 2024-11-20. Review status: criteria provided, single submitter. Criteria: ACMG Guidelines, 2015. Collection method: clinical testing. Allele origin: germline.

Myriad Genetics, Inc.
Classification: Benign for Peutz-Jeghers syndrome. Last evaluated: 2023-04-12. Review status: criteria provided, single submitter. Criteria: Myriad Autosomal Dominant, Autosomal Recessive and X-Linked Classification Criteria (2023). Collection method: clinical testing. Allele origin: unknown.
Comment: This variant is considered benign. This variant is a silent/synonymous amino acid change and it is not expected to impact splicing.

Women's Health and Genetics/Laboratory Corporation of America, LabCorp
Classification: Likely benign. Last evaluated: 2022-04-28. Review status: criteria provided, single submitter. Criteria: LabCorp Variant Classification Summary - May 2015. Collection method: clinical testing. Allele origin: germline.

GeneDx
Classification: Likely benign. Last evaluated: 2019-01-09. Review status: criteria provided, single submitter. Criteria: GeneDx Variant Classification Process June 2021. Collection method: clinical testing. Allele origin: germline. Affected: yes.

Color Diagnostics, LLC DBA Color Health
Classification: Likely benign for Hereditary cancer-predisposing syndrome. Last evaluated: 2016-07-11. Review status: criteria provided, single submitter. Criteria: ACMG Guidelines, 2015. Collection method: clinical testing. Allele origin: germline.

Ambry Genetics
Classification: Likely benign for Hereditary cancer-predisposing syndrome. Last evaluated: 2015-11-18. Review status: criteria provided, single submitter. Criteria: Ambry Variant Classification Scheme 2023. Collection method: clinical testing. Allele origin: germline.

Counsyl
Classification: Likely benign for Peutz-Jeghers syndrome. Last evaluated: 2016-07-18. Review status: no assertion criteria provided. Collection method: clinical testing. Allele origin: unknown. Not counted in ClinVar's aggregate classification.

Department of Pathology and Laboratory Medicine, Sinai Health System
Classification: Likely benign for Bile duct cancer. Review status: no assertion criteria provided. Collection method: clinical testing. Allele origin: unknown. Affected: yes. Study: The Canadian Open Genetics Repository (COGR). Not counted in ClinVar's aggregate classification.
Comment: The STK11 p.Asn226= variant was not identified in the literature nor was it identified in the following databases: Cosmic, MutDB, LOVD 3.0, Zhejiang Colon Cancer Database, or Insight Hereditary Tumors Database. The variant was identified in dbSNP (ID: rs748832988) â€šÃ„ÃºWith Likely benign alleleâ€šÃ„Ã¹, ClinVar (classified likely benign by Ambry Genetics, Counsyl, GeneDx and Invitae), Clinvitae (3x), and in control databases in 10 of 271382 chromosomes at a frequency of 0.00004 (Genome Aggregation Database Feb 27, 2017). Observation by population include European Non-Finnish in 9 of 122798 chromosomes (freq: 0.00007) and East Asian in 1 of 18748 chromosomes (freq: 0.00005); it was not observed in the African, Other, Latino, Ashkenazi Jewish, European Finnish, and South Asian populations. The p.Asn226= variant is not expected to have clinical significance because it does not result in a change of amino acid and is not located in a known consensus splice site. In addition, in silico or computational prediction software programs (SpliceSiteFinder, MaxEntScan, NNSPLICE, GeneSplicer, HumanSpliceFinder) do not predict a difference in splicing. In summary, based on the above information the clinical significance of this variant cannot be determined with certainty at this time although we would lean towards a more benign role for this variant. This variant is classified as likely benign.